The following is an entry in ClinVar:

NM_000532.5(PCCB):c.3G>A (p.Met1Ile)

Gene: PCCB (propionyl-CoA carboxylase subunit beta; plus strand). Cytogenetic location: 3q22.3.
Variant type: single nucleotide variant.
Coding change: c.3G>A on transcript NM_000532.5 (MANE Select); coding-DNA position 3, G replaced by A.
Protein change: p.Met1Ile; changes the start codon (methionine 1).
Molecular consequence: missense variant, initiator codon variant.
Genome position (GRCh38, 1-based): chr3:136,250,378, G>A. VCF-style: chr3-136250378-G-A. GRCh37 (hg19) VCF-style: chr3-135969220-G-A.
Other names: c.3G>A, p.Met1Ile (NM_001178014.2); short protein forms M1I.
Identifiers: ClinVar variation 93230 (VCV000093230.18), dbSNP rs398123464, ClinGen allele CA221103.

ClinVar aggregate classification (germline): Pathogenic/Likely pathogenic. Review status: criteria provided, multiple submitters, no conflicts (2 of 4 stars). 3 submissions from 3 submitters: Pathogenic (2); Likely pathogenic (1). Last evaluated 2025-04-11.

Conditions:
Propionic acidemia (PROP). Also called: GLYCINEMIA, KETOTIC; HYPERGLYCINEMIA WITH KETOACIDOSIS AND LEUKOPENIA; KETOTIC HYPERGLYCINEMIA. Identifiers: Orphanet 35, MedGen C0268579, MONDO:0011628, OMIM 606054, HP:0003571.

Allele frequency attached by ClinVar (database versions not stated): gnomAD exomes below 0.00001; gnomAD 0.00001; TOPMed 0.00001.

Submissions (3):

Labcorp Genetics (formerly Invitae), Labcorp
Classification: Pathogenic for Propionic acidemia. Last evaluated: 2025-04-11. Review status: criteria provided, single submitter. Criteria: Invitae Variant Classification Sherloc (09022015). Collection method: clinical testing. Allele origin: germline.
Comment: This sequence change affects the initiator methionine of the PCCB mRNA. The next in-frame methionine is located at codon 84. The frequency data for this variant in the population databases is considered unreliable, as metrics indicate poor data quality at this position in the gnomAD database. This variant has not been reported in the literature in individuals affected with PCCB-related conditions. ClinVar contains an entry for this variant (Variation ID: 93230). This variant disrupts a region of the PCCB protein in which other variant(s) (p.His59Gln) have been determined to be pathogenic (internal data). This suggests that this is a clinically significant region of the protein, and that variants that disrupt it are likely to be disease-causing. For these reasons, this variant has been classified as Pathogenic.

Fulgent Genetics
Classification: Likely pathogenic for Propionic acidemia. Last evaluated: 2024-04-30. Review status: criteria provided, single submitter. Criteria: ACMG Guidelines, 2015. Collection method: clinical testing. Allele origin: germline.

Eurofins Ntd Llc (ga)
Classification: Pathogenic. Last evaluated: 2012-09-14. Review status: criteria provided, single submitter. Criteria: EGL Classification Definitions. Collection method: clinical testing. Allele origin: germline. Observed: 1 variant allele, 1 heterozygote.